The following is an entry in ClinVar:

NM_001267550.2(TTN):c.28809A>G (p.Glu9603=)

Gene: TTN (titin; minus strand). Cytogenetic location: 2q31.2.
Variant type: single nucleotide variant.
Coding change: c.28809A>G on transcript NM_001267550.2 (MANE Select); coding-DNA position 28809, A replaced by G.
Protein change: p.Glu9603=; no amino-acid change (glutamic acid 9603 retained).
Molecular consequence: synonymous variant. On other transcripts: intron variant (3).
Genome position (GRCh38, 1-based): chr2:178,707,758, T>C on the plus strand (A>G on the coding strand, the complement: TTN is on the minus strand). VCF-style: chr2-178707758-T-C. GRCh37 (hg19) VCF-style: chr2-179572485-T-C.
Other names: c.27858A>G, p.Glu9286= (NM_001256850.1); c.25077A>G, p.Glu8359= (NM_133378.4); c.13282+30324A>G (NM_003319.4); c.13858+30324A>G (NM_133437.4); c.13657+30324A>G (NM_133432.3).
Identifiers: ClinVar variation 3026162 (VCV003026162.22), dbSNP rs1157488221, ClinGen allele CA430279709.
Genomic context (GRCh38, chr2:178,707,758, plus strand): 5'-CCACTGGATCCTAATTGGCTCAGATCCCTGGACATGGCAGCTGAGCTGCACGTATTCTCC[T>C]TCACTCACTGTTACTGGAGTAAGGTGCTGATCAAATACAGGTGGCTTCTTAGGTTCTGGA-3'
Protein context (NP_001254479.2, residues 9593-9613): DQHLTPVTVS[Glu9603=]GEYVQLSCHV

ClinVar aggregate classification (germline): Likely benign (1 of 4 stars; one submission).

Allele frequency attached by ClinVar (database versions not stated): gnomAD exomes below 0.00001; TOPMed 0.00002.
gnomAD v4.1: 4 of 1,613,856 alleles (0.00025%); highest among the groups gnomAD compares: Non-Finnish European, 0.00034%; no homozygotes.

Submission:

CeGaT Center for Human Genetics Tuebingen
Classification: Likely benign. Last evaluated: 2024-01-01. Review status: criteria provided, single submitter. Criteria: CeGaT Center For Human Genetics Tuebingen Variant Classification Criteria Version 2. Collection method: clinical testing. Allele origin: germline. Affected: yes. Observed: 1 variant allele.
Comment: TTN: BP4, BP7